The following is an entry in ClinVar:

ClinVar aggregate classification (germline): Uncertain significance (1 of 4 stars; one submission).

Submission:

GeneDx
Classification: Uncertain significance. Last evaluated: 2025-05-01. Review status: criteria provided, single submitter. Criteria: GeneDx Variant Classification Process June 2021. Collection method: clinical testing. Allele origin: germline. Affected: yes.
Comment: Not observed at significant frequency in large population cohorts (gnomAD); In silico analysis supports that this missense variant has a deleterious effect on protein structure/function; Has not been previously published as pathogenic or benign to our knowledge

NM_007129.5(ZIC2):c.1051A>C (p.Lys351Gln)

Gene: ZIC2 (Zic family zinc finger 2; plus strand). Cytogenetic location: 13q32.3.
Variant type: single nucleotide variant.
Coding change: c.1051A>C on transcript NM_007129.5 (MANE Select); coding-DNA position 1051, A replaced by C.
Protein change: p.Lys351Gln; replaces lysine 351 with glutamine.
Molecular consequence: missense variant.
Genome position (GRCh38, 1-based): chr13:99,983,115, A>C. VCF-style: chr13-99983115-A-C. GRCh37 (hg19) VCF-style: chr13-100635369-A-C.
Other names: short protein forms K351Q.
Identifiers: ClinVar variation 4527905 (VCV004527905.1).